The following is an entry in ClinVar:

ClinVar aggregate classification (germline): Uncertain significance (1 of 4 stars; one submission).

Conditions:
Episodic ataxia type 2 (EA2). Also called: ATAXIA, EPISODIC, WITH NYSTAGMUS; ATAXIA, FAMILIAL PAROXYSMAL; ACETAZOLAMIDE-RESPONSIVE HEREDITARY PAROXYSMAL CEREBELLAR ATAXIA; CEREBELLAR ATAXIA, PAROXYSMAL, ACETAZOLAMIDE-RESPONSIVE; CEREBELLOPATHY, HEREDITARY PAROXYSMAL; EPISODIC ATAXIA, NYSTAGMUS-ASSOCIATED. Identifiers: Orphanet 97, MedGen C1720416, MONDO:0007163, OMIM 108500.
Developmental and epileptic encephalopathy, 42 (DEE42A). Also called: Epileptic encephalopathy, early infantile, 42; DEVELOPMENTAL AND EPILEPTIC ENCEPHALOPATHY 42A; EPILEPTIC ENCEPHALOPATHY, EARLY INFANTILE, 42A. Identifiers: MedGen C4310716, MONDO:0014917, OMIM 617106.

gnomAD v4.1: 1 of 1,537,410 alleles (0.000065%); highest among the groups gnomAD compares: Admixed American, 0.002%; no homozygotes.

Submission:

Labcorp Genetics (formerly Invitae), Labcorp
Classification: Uncertain significance for Developmental and epileptic encephalopathy, 42; Episodic ataxia type 2. Last evaluated: 2024-04-04. Review status: criteria provided, single submitter. Criteria: Invitae Variant Classification Sherloc (09022015). Collection method: clinical testing. Allele origin: germline.
Comment: This sequence change replaces proline, which is neutral and non-polar, with arginine, which is basic and polar, at codon 2203 of the CACNA1A protein (p.Pro2203Arg). This variant is present in population databases (no rsID available, gnomAD 0.004%). This variant has not been reported in the literature in individuals affected with CACNA1A-related conditions. Advanced modeling of protein sequence and biophysical properties (such as structural, functional, and spatial information, amino acid conservation, physicochemical variation, residue mobility, and thermodynamic stability) has been performed at Invitae for this missense variant, however the output from this modeling did not meet the statistical confidence thresholds required to predict the impact of this variant on CACNA1A protein function. In summary, the available evidence is currently insufficient to determine the role of this variant in disease. Therefore, it has been classified as a Variant of Uncertain Significance.

NM_001127222.2(CACNA1A):c.6605C>G (p.Pro2202Arg)

Gene: CACNA1A (calcium voltage-gated channel subunit alpha1 A; minus strand). Cytogenetic location: 19p13.13.
Variant type: single nucleotide variant.
Coding change: c.6605C>G on transcript NM_001127222.2 (MANE Select); coding-DNA position 6605, C replaced by G.
Protein change: p.Pro2202Arg; replaces proline 2202 with arginine.
Molecular consequence: missense variant.
Genome position (GRCh38, 1-based): chr19:13,208,931, G>C on the plus strand (C>G on the coding strand, the complement: CACNA1A is on the minus strand). VCF-style: chr19-13208931-G-C. GRCh37 (hg19) VCF-style: chr19-13319745-G-C.
Other names: c.6623C>G, p.Pro2208Arg (NM_000068.4, NM_023035.3); c.6608C>G, p.Pro2203Arg (NM_001127221.2); c.6614C>G, p.Pro2205Arg (NM_001174080.2); short protein forms P2202R, P2203R, P2205R, P2208R.
Identifiers: ClinVar variation 3754141 (VCV003754141.2).